The following is an entry in ClinVar:

ClinVar aggregate classification (germline): Likely benign (1 of 4 stars; one submission).

Conditions:
ABCA4-related disorder. Also called: ABCA4-related disorders; ABCA4-related condition. Identifiers: MedGen CN239167.

gnomAD v4.1: 5 of 1,614,072 alleles (0.00031%); highest among the groups gnomAD compares: South Asian, 0.0022%; no homozygotes.

Submission:

PreventionGenetics, part of Exact Sciences
Classification: Likely benign for ABCA4-related condition. Last evaluated: 2025-05-29. Review status: criteria provided, single submitter. Criteria: ACMG Guidelines, 2015. Collection method: clinical testing. Allele origin: germline.
Comment: This variant is classified as likely benign based on ACMG/AMP sequence variant interpretation guidelines (Richards et al. 2015 PMID: 25741868, with internal and published modifications).

NM_000350.3(ABCA4):c.2730A>G (p.Pro910=)

Gene: ABCA4 (ATP binding cassette subfamily A member 4; minus strand). Cytogenetic location: 1p22.1.
Variant type: single nucleotide variant.
Coding change: c.2730A>G on transcript NM_000350.3 (MANE Select); coding-DNA position 2730, A replaced by G.
Protein change: p.Pro910=; no amino-acid change (proline 910 retained).
Molecular consequence: synonymous variant.
Genome position (GRCh38, 1-based): chr1:94,048,881, T>C on the plus strand (A>G on the coding strand, the complement: ABCA4 is on the minus strand). VCF-style: chr1-94048881-T-C. GRCh37 (hg19) VCF-style: chr1-94514437-T-C.
Other names: c.2508A>G, p.Pro836= (NM_001425324.1).
Identifiers: ClinVar variation 4982566 (VCV004982566.1).